The following is an entry in ClinVar:

NM_000093.5(COL5A1):c.3069C>T (p.Pro1023=)

Gene: COL5A1 (collagen type V alpha 1 chain; plus strand). Cytogenetic location: 9q34.3.
Variant type: single nucleotide variant.
Coding change: c.3069C>T on transcript NM_000093.5 (MANE Select); coding-DNA position 3069, C replaced by T.
Protein change: p.Pro1023=; no amino-acid change (proline 1023 retained).
Molecular consequence: synonymous variant.
Genome position (GRCh38, 1-based): chr9:134,802,950, C>T. VCF-style: chr9-134802950-C-T. GRCh37 (hg19) VCF-style: chr9-137694796-C-T.
Other names: p.Pro1023=; c.3069C>T, p.Pro1023= (NM_001278074.1).
Identifiers: ClinVar variation 197054 (VCV000197054.31), dbSNP rs139070070, ClinGen allele CA244965.

ClinVar aggregate classification (germline): Conflicting classifications of pathogenicity. Review status: criteria provided, conflicting classifications (1 of 4 stars). 10 submissions from 10 submitters: Uncertain significance (1); Benign (3); Likely benign (4). 2 of the submissions do not count toward it. Last evaluated 2026-01-17.

Conditions:
Ehlers-Danlos syndrome, classic type, 1 (EDSCL1). Also called: Ehlers-Danlos Syndrome, Classic Type, COL5A1-Related; EHLERS-DANLOS SYNDROME, GRAVIS TYPE; EHLERS-DANLOS SYNDROME, SEVERE CLASSIC TYPE; Ehlers-Danlos syndrome, type 1; EDS I. Identifiers: MedGen C0268335, MONDO:0019567, OMIM 130000.
Ehlers-Danlos syndrome, classic type (cEDS). Identifiers: Orphanet 287, MedGen C4225429, MONDO:0007522.
Ehlers-Danlos syndrome (EDS). Identifiers: Orphanet 98249, MedGen C0013720, MONDO:0020066.
Familial thoracic aortic aneurysm and aortic dissection (TAAD). Also called: Thoracic aortic aneurysms and dissections. Identifiers: Orphanet 91387, MedGen C4707243, MONDO:0019625.

Allele frequency attached by ClinVar (database versions not stated): gnomAD 0.00038; ESP Exome Variant Server 0.00039; TOPMed 0.00052; 1000 Genomes Project 30x 0.00078; 1000 Genomes Project 0.00080.
gnomAD v4.1: 172 of 1,610,986 alleles (0.011%); highest among the groups gnomAD compares: African/African-American, 0.11%; no homozygotes.

Submissions (10):

Labcorp Genetics (formerly Invitae), Labcorp
Classification: Benign for Ehlers-Danlos syndrome, classic type, 1. Last evaluated: 2026-01-17. Review status: criteria provided, single submitter. Criteria: Invitae Variant Classification Sherloc (09022015). Collection method: clinical testing. Allele origin: germline.

Mayo Clinic Laboratories, Mayo Clinic
Classification: Likely benign. Last evaluated: 2025-09-23. Review status: criteria provided, single submitter. Criteria: ACMG Guidelines, 2015. Collection method: clinical testing. Allele origin: germline. Observed: 1 variant allele.
Comment: BS1, BP4, BP7

Women's Health and Genetics/Laboratory Corporation of America, LabCorp
Classification: Benign. Last evaluated: 2025-06-23. Review status: criteria provided, single submitter. Criteria: LabCorp Variant Classification Summary - May 2015. Collection method: clinical testing. Allele origin: germline.
Comment: Variant summary: COL5A1 c.3069C>T alters a conserved nucleotide resulting in a synonymous change. Consensus agreement among computation tools predict no significant impact on normal splicing. However, these predictions have yet to be confirmed by functional studies. The variant allele was found at a frequency of 0.00019 in 240694 control chromosomes. The observed variant frequency is approximately 6 fold of the estimated maximal expected allele frequency for a pathogenic variant in COL5A1 causing Ehlers-Danlos syndrome, classic type, Ehlers-Danlos syndrome, classic type, 1 phenotype (3.1e-05). To our knowledge, no occurrence of c.3069C>T in individuals affected with Ehlers-Danlos syndrome, classic type, Ehlers-Danlos syndrome, classic type, 1 and no experimental evidence demonstrating its impact on protein function have been reported. ClinVar contains an entry for this variant (Variation ID: 197054). Based on the evidence outlined above, the variant was classified as benign.

GeneDx
Classification: Likely benign. Last evaluated: 2021-03-02. Review status: criteria provided, single submitter. Criteria: GeneDx Variant Classification Process June 2021. Collection method: clinical testing. Allele origin: germline. Affected: yes.

Ambry Genetics
Classification: Benign for Familial thoracic aortic aneurysm and aortic dissection. Last evaluated: 2020-06-24. Review status: criteria provided, single submitter. Criteria: Ambry Variant Classification Scheme 2023. Collection method: clinical testing. Allele origin: germline.

Genome Diagnostics Laboratory, The Hospital for Sick Children
Classification: Likely benign for Ehlers-Danlos syndrome. Last evaluated: 2020-03-01. Review status: criteria provided, single submitter. Criteria: ACMG Guidelines, 2015. Collection method: clinical testing. Allele origin: germline.

Illumina Laboratory Services, Illumina
Classification: Likely benign for Ehlers-Danlos syndrome, classic type, 1. Last evaluated: 2018-01-12. Review status: criteria provided, single submitter. Criteria: ICSL Variant Classification Criteria 13 December 2019. Collection method: clinical testing. Allele origin: germline.
Comment: This variant was observed in the ICSL laboratory as part of a predisposition screen in an ostensibly healthy population. It had not been previously curated by ICSL or reported in the Human Gene Mutation Database (HGMD: prior to June 1st, 2018), and was therefore a candidate for classification through an automated scoring system. Utilizing variant allele frequency, disease prevalence and penetrance estimates, and inheritance mode, an automated score was calculated to assess if this variant is too frequent to cause the disease. Based on the score and internal cut-off values, a variant classified as likely benign is not then subjected to further curation. The score for this variant resulted in a classification of likely benign for this disease.

Eurofins Ntd Llc (ga)
Classification: Uncertain significance. Last evaluated: 2014-10-02. Review status: criteria provided, single submitter. Criteria: EGL Classification Definitions 2015. Collection method: clinical testing. Allele origin: germline. Observed: 1 variant allele, 1 heterozygote.

Clinical Genetics DNA and cytogenetics Diagnostics Lab, Erasmus MC, Erasmus Medical Center
Classification: Likely benign. Review status: no assertion criteria provided. Collection method: clinical testing. Allele origin: germline. Affected: yes. Study: VKGL Data-share Consensus. Not counted in ClinVar's aggregate classification.

Genome Diagnostics Laboratory, University Medical Center Utrecht
Classification: Likely benign. Review status: no assertion criteria provided. Collection method: clinical testing. Allele origin: germline. Affected: yes. Study: VKGL Data-share Consensus. Not counted in ClinVar's aggregate classification.